The following is an entry in ClinVar:

ClinVar aggregate classification (germline): Uncertain significance. Review status: criteria provided, multiple submitters, no conflicts (2 of 4 stars). 2 submissions from 2 submitters: Uncertain significance (2). Last evaluated 2025-11-27.

Conditions:
Inborn genetic diseases. Identifiers: MedGen C0950123, MeSH D030342.

Allele frequency attached by ClinVar (database versions not stated): gnomAD below 0.00001 and 0.00001; gnomAD exomes 0.00001.

Submissions (2):

Labcorp Genetics (formerly Invitae), Labcorp
Classification: Uncertain significance. Last evaluated: 2025-11-27. Review status: criteria provided, single submitter. Criteria: Invitae Variant Classification Sherloc (09022015). Collection method: clinical testing. Allele origin: germline.
Comment: This sequence change replaces arginine, which is basic and polar, with glycine, which is neutral and non-polar, at codon 695 of the NSD1 protein (p.Arg695Gly). This variant is not present in population databases (gnomAD no frequency). This variant has not been reported in the literature in individuals affected with NSD1-related conditions. ClinVar contains an entry for this variant (Variation ID: 860358). Invitae Evidence Modeling of protein sequence and biophysical properties (such as structural, functional, and spatial information, amino acid conservation, physicochemical variation, residue mobility, and thermodynamic stability) indicates that this missense variant is not expected to disrupt NSD1 protein function with a negative predictive value of 95%. In summary, the available evidence is currently insufficient to determine the role of this variant in disease. Therefore, it has been classified as a Variant of Uncertain Significance.

Ambry Genetics
Classification: Uncertain significance for Inborn genetic diseases. Last evaluated: 2022-02-17. Review status: criteria provided, single submitter. Criteria: Ambry Variant Classification Scheme 2023. Collection method: clinical testing. Allele origin: germline.

NM_022455.5(NSD1):c.2083A>G (p.Arg695Gly)

Gene: NSD1 (nuclear receptor binding SET domain protein 1; plus strand). Cytogenetic location: 5q35.3.
Variant type: single nucleotide variant.
Coding change: c.2083A>G on transcript NM_022455.5 (MANE Select); coding-DNA position 2083, A replaced by G.
Protein change: p.Arg695Gly; replaces arginine 695 with glycine.
Molecular consequence: missense variant.
Genome position (GRCh38, 1-based): chr5:177,210,482, A>G. VCF-style: chr5-177210482-A-G. GRCh37 (hg19) VCF-style: chr5-176637483-A-G.
Other names: c.1210A>G, p.Arg404Gly (NM_001365684.2, NM_001409306.1, NM_001409307.1 and 3 more transcripts); c.2083A>G, p.Arg695Gly (NM_001409301.1, NM_001409302.1, NM_001409303.1); c.1663A>G, p.Arg555Gly (NM_001409304.1); c.1330A>G, p.Arg444Gly (NM_001409305.1); short protein forms R426G, R695G, R404G, R555G, R444G.
Identifiers: ClinVar variation 860358 (VCV000860358.11), dbSNP rs1581318727, ClinGen allele CA362313649.